The following continues an entry in ClinVar:

NM_001005242.3(PKP2):c.1445C>T (p.Thr482Met)

Gene: PKP2. ClinVar aggregate classification (germline): Conflicting classifications of pathogenicity. Uncertain significance (1); Benign (8); Likely benign (13).

Submissions 19 to 25 of 25:

Clinical Genetics DNA and cytogenetics Diagnostics Lab, Erasmus MC, Erasmus Medical Center
Classification: Likely benign for Arrhythmogenic right ventricular dysplasia 9. Last evaluated: 2015-09-21. Review status: criteria provided, single submitter. Criteria: ACGS Guidelines, 2013. Collection method: clinical testing. Allele origin: germline. Affected: yes. Study: VKGL Data-share Consensus.

Laboratory for Molecular Medicine, Mass General Brigham Personalized Medicine
Classification: Likely benign. Last evaluated: 2015-06-25. Review status: criteria provided, single submitter. Criteria: LMM Criteria. Collection method: clinical testing. Allele origin: germline. Observed: 16 variant alleles.
Comment: p.Thr526Met in exon 7 of PKP2: This variant is not expected to have clinical sig nificance because it has been identified in 0.6% (60/10364) of African chromosom es by the Exome Aggregation Consortium (ExAC; db SNP rs146882581).

Genome Diagnostics Laboratory, University Medical Center Utrecht
Classification: Likely benign for Arrhythmogenic right ventricular dysplasia 9. Last evaluated: 2014-10-09. Review status: criteria provided, single submitter. Criteria: ACGS Guidelines, 2013. Collection method: clinical testing. Allele origin: germline. Affected: yes. Study: VKGL Data-share Consensus.

Biesecker Lab/Clinical Genomics Section, National Institutes of Health
Classification: Benign. Last evaluated: 2013-06-24. Review status: criteria provided, single submitter. Criteria: Ng et al. (Circ Cardiovasc Genet. 2013). Collection method: research. Allele origin: unknown. Observed: 3 variant alleles. Study: ClinSeq.
Comment: The study set was not selected for affection status in relation to any cancer. Pathogenicity categories were based on literature curation. See Pubmed ID:23861362 for details.

Medical sequencing

CSER _CC_NCGL, University of Washington
Classification: Likely benign for Arrhythmogenic right ventricular dysplasia/cardiomyopathy. Last evaluated: 2014-06-01. Review status: no assertion criteria provided. Collection method: research. Allele origin: germline. Inheritance: Autosomal dominant inheritance. Study: ESP 6500 variant annotation. Not counted in ClinVar's aggregate classification.
Comment: Variants classified for the Actionable exomic incidental findings in 6503 participants: challenges of variant classification manuscript

Clinical Genetics, Academic Medical Center
Classification: Benign. Review status: no assertion criteria provided. Collection method: clinical testing. Allele origin: germline. Affected: yes. Study: VKGL Data-share Consensus. Not counted in ClinVar's aggregate classification.

Joint Genome Diagnostic Labs from Nijmegen and Maastricht, Radboudumc and MUMC+
Classification: Benign. Review status: no assertion criteria provided. Collection method: clinical testing. Allele origin: germline. Affected: yes. Study: VKGL Data-share Consensus. Not counted in ClinVar's aggregate classification.

Literature cited by the submitters: PubMed 21636032 (cited by Women's Health and Genetics/Laboratory Corporation of America, LabCorp and Illumina Laboratory Services, Illumina); PubMed 24200904 (cited by Women's Health and Genetics/Laboratory Corporation of America, LabCorp and Illumina Laboratory Services, Illumina); PubMed 21606390 (cited by Women's Health and Genetics/Laboratory Corporation of America, LabCorp and Illumina Laboratory Services, Illumina); PubMed 29288195 (cited by Women's Health and Genetics/Laboratory Corporation of America, LabCorp); PubMed 23137101 (cited by Women's Health and Genetics/Laboratory Corporation of America, LabCorp and Illumina Laboratory Services, Illumina); PubMed 20857253 (cited by Women's Health and Genetics/Laboratory Corporation of America, LabCorp); PubMed 24704780 (cited by Women's Health and Genetics/Laboratory Corporation of America, LabCorp); PubMed 23861362 (cited by Women's Health and Genetics/Laboratory Corporation of America, LabCorp); PubMed 23299917 (cited by Women's Health and Genetics/Laboratory Corporation of America, LabCorp).